The following is an entry in ClinVar:

NM_181882.3(PRX):c.627del (p.Ala210fs)

Gene: PRX (periaxin; minus strand). Cytogenetic location: 19q13.2.
Variant type: Deletion.
Coding change: c.627del on transcript NM_181882.3 (MANE Select); coding-DNA position 627, one base deleted (C; older notation c.627delC).
Protein change: p.Ala210fs; shifts the reading frame from alanine 210.
Molecular consequence: frameshift variant. On other transcripts: 3 prime UTR variant (1).
Genome position (GRCh38, 1-based): chr19:40,397,725, G deleted on the plus strand (C on the coding strand, the reverse complement: PRX is on the minus strand); the first of 2 consecutive G bases (chr19:40,397,725-40,397,726); deleting either gives the same sequence. VCF-style (leftmost placement, unchanged base first): chr19-40397724-CG-C. GRCh37 (hg19) VCF-style: chr19-40903631-CG-C.
Other names: c.627delC (NM_181882.2, NM_181882.3); c.*832del (NM_020956.2); short protein forms A210fs.
Identifiers: ClinVar variation 653288 (VCV000653288.43), dbSNP rs1599656507, ClinGen allele CA915953025.
Genomic context (GRCh38, chr19:40,397,724, plus strand): 5'-TGAAACGAGCTCCTGCAGCCACCTCAGCCTCCACCTTGGCTTTCCTGGGGGGAGGAGCGG[CG>C]GCGGCCAGCCGGGCTGCCTGAGCCTCTTCGGCCACTTCTCGTACACGCAGCCGAGGCAGC-3'

ClinVar aggregate classification (germline): Pathogenic. Review status: criteria provided, multiple submitters, no conflicts (2 of 4 stars). 3 submissions from 3 submitters: Pathogenic (2). 1 of the submissions does not count toward it. Last evaluated 2019-08-01.

Conditions:
Charcot-Marie-Tooth disease type 4. Also called: Charcot-Marie-Tooth, Type 4; Charcot-Marie-Tooth disease, type IV. Identifiers: Orphanet 64749, MedGen C4082197, MONDO:0018995.
Charcot-Marie-Tooth disease type 4F. Also called: Charcot-Marie-Tooth disease, demyelinating, type 4F. Identifiers: Orphanet 99952, MedGen C3540453, MONDO:0013959, OMIM 614895.

Submissions (3):

CeGaT Center for Human Genetics Tuebingen
Classification: Pathogenic. Last evaluated: 2019-08-01. Review status: criteria provided, single submitter. Criteria: CeGaT Center For Human Genetics Tuebingen Variant Classification Criteria Version 2. Collection method: clinical testing. Allele origin: germline. Affected: yes. Observed: 1 variant allele.

Labcorp Genetics (formerly Invitae), Labcorp
Classification: Pathogenic for Charcot-Marie-Tooth disease type 4. Last evaluated: 2018-08-28. Review status: criteria provided, single submitter. Criteria: Invitae Variant Classification Sherloc (09022015). Collection method: clinical testing. Allele origin: germline.
Comment: This sequence change results in a premature translational stop signal in the PRX gene (p.Ala210Profs*103). While this is not anticipated to result in nonsense mediated decay, it is expected to disrupt the last 1252 amino acids of the PRX protein. While this variant is not present in population databases, the frequency information is unreliable, as metrics indicate poor data quality at this position in the ExAC database. This variant has not been reported in the literature in individuals with PRX-related disease. A different truncation (p.Arg1070*) that lies downstream of this variant has been determined to be pathogenic (PMID: 15197604, 16770524, 22847150, 26059842). This suggests that deletion of this region of the PRX protein is causative of disease. For these reasons, this variant has been classified as Pathogenic.

Institute of Human Genetics, Cologne University
Classification: Pathogenic for Charcot-Marie-Tooth disease type 4F. Review status: no assertion criteria provided. Collection method: clinical testing. Allele origin: unknown. Inheritance: Autosomal recessive inheritance. Affected: yes. Observed: 1 homozygote. Not counted in ClinVar's aggregate classification.

Literature cited by the submitters: PubMed 16770524 (cited by Labcorp Genetics (formerly Invitae), Labcorp); PubMed 22847150 (cited by Labcorp Genetics (formerly Invitae), Labcorp); PubMed 26059842 (cited by Labcorp Genetics (formerly Invitae), Labcorp); PubMed 15197604 (cited by Labcorp Genetics (formerly Invitae), Labcorp).